The following is an entry in ClinVar:

NM_007194.4(CHEK2):c.1543-12_1543-3del

Gene: CHEK2 (checkpoint kinase 2; minus strand). Cytogenetic location: 22q12.1.
Variant type: Deletion.
Coding change: c.1543-12_1543-3del on transcript NM_007194.4 (MANE Select); 12 bases into the intron before coding-DNA position 1543 through 3 bases into the intron before coding-DNA position 1543, 10 bases deleted (CTTTATTTTC; older notation c.1543-12_1543-3delCTTTATTTTC).
Molecular consequence: intron variant.
Genome position (GRCh38, 1-based): chr22:28,687,989-28,687,998, GAAAATAAAG deleted on the plus strand (CTTTATTTTC on the coding strand, the reverse complement: CHEK2 is on the minus strand); deleting any 10 consecutive bases within chr22:28,687,989-28,688,004 gives the same sequence; the c. name uses the placement nearest the transcript's 3' end. VCF-style (leftmost placement, unchanged base first): chr22-28687988-TGAAAATAAAG-T. GRCh37 (hg19) VCF-style: chr22-29083976-TGAAAATAAAG-T.
Other names: c.1543-12_1543-3delCTTTATTTTC (NM_007194.3); c.880-12_880-3del (NM_001437942.1, NM_001257387.3); c.1342-12_1342-3del (NM_001349956.3); c.1456-12_1456-3del (NM_145862.3); c.1549-12_1549-3del (NM_001438295.1); c.1636-12_1636-3del (NM_001438293.1); c.1585-12_1585-3del (NM_001438294.1); c.1672-12_1672-3del (NM_001005735.3).
Identifiers: ClinVar variation 507603 (VCV000507603.1), dbSNP rs1555911649, ClinGen allele CA658799502.

ClinVar aggregate classification (germline): Likely benign (1 of 4 stars; one submission).

Submission:

GeneDx
Classification: Likely benign. Last evaluated: 2017-02-20. Review status: criteria provided, single submitter. Criteria: GeneDx Variant Classification (06012015). Collection method: clinical testing. Allele origin: germline. Affected: yes.
Comment: This variant is considered likely benign or benign based on one or more of the following criteria: it is a conservative change, it occurs at a poorly conserved position in the protein, it is predicted to be benign by multiple in silico algorithms, and/or has population frequency not consistent with disease.